The following is an entry in ClinVar:

ClinVar aggregate classification (germline): Likely benign. Review status: criteria provided, multiple submitters, no conflicts (2 of 4 stars). 2 submissions from 2 submitters: Likely benign (2). Last evaluated 2026-07-23.

Conditions:
Hereditary factor VIII deficiency disease (HEMA). Also called: Hemophilia A; Factor 8 deficiency, congenital; HEMOPHILIA, CLASSIC; AUTOSOMAL HEMOPHILIA A; Hemophilia A, congenital; HEM A. Identifiers: Orphanet 98878, MedGen C0019069, MONDO:0010602, OMIM 306700.
F8-related disorder. Also called: F8-related condition.

Allele frequency attached by ClinVar (database versions not stated): TOPMed 0.00001; gnomAD exomes 0.00002; ExAC 0.00003; ESP Exome Variant Server 0.00009.
gnomAD v4.1: 19 of 1,211,410 alleles (0.0016%); highest among the groups gnomAD compares: Middle Eastern, 0.023%; no homozygotes.

Submissions (2):

PreventionGenetics, part of Exact Sciences
Classification: Likely benign for F8-related condition. Last evaluated: 2026-07-23. Review status: criteria provided, single submitter. Criteria: ACMG Guidelines, 2015. Collection method: clinical testing. Allele origin: germline.
Comment: This variant is classified as likely benign based on ACMG/AMP sequence variant interpretation guidelines (Richards et al. 2015 PMID: 25741868, with internal and published modifications).

Illumina Laboratory Services, Illumina
Classification: Likely benign for Hereditary factor VIII deficiency disease. Last evaluated: 2018-01-13. Review status: criteria provided, single submitter. Criteria: ICSL Variant Classification Criteria 13 December 2019. Collection method: clinical testing. Allele origin: germline.
Comment: This variant was observed in the ICSL laboratory as part of a predisposition screen in an ostensibly healthy population. It had not been previously curated by ICSL or reported in the Human Gene Mutation Database (HGMD: prior to June 1st, 2018), and was therefore a candidate for classification through an automated scoring system. Utilizing variant allele frequency, disease prevalence and penetrance estimates, and inheritance mode, an automated score was calculated to assess if this variant is too frequent to cause the disease. Based on the score and internal cut-off values, a variant classified as likely benign is not then subjected to further curation. The score for this variant resulted in a classification of likely benign for this disease.

NM_000132.4(F8):c.3981G>A (p.Thr1327=)

Gene: F8 (coagulation factor VIII; minus strand). Cytogenetic location: Xq28.
Variant type: single nucleotide variant.
Coding change: c.3981G>A on transcript NM_000132.4 (MANE Select); coding-DNA position 3981, G replaced by A.
Protein change: p.Thr1327=; no amino-acid change (threonine 1327 retained).
Molecular consequence: synonymous variant.
Genome position (GRCh38, 1-based): chrX:154,929,809, C>T on the plus strand (G>A on the coding strand, the complement: F8 is on the minus strand). VCF-style: chrX-154929809-C-T. GRCh37 (hg19) VCF-style: chrX-154158084-C-T.
Identifiers: ClinVar variation 912877 (VCV000912877.5), dbSNP rs374245599, ClinGen allele CA10568158.
Genomic context (GRCh38, chrX:154,929,809, plus strand): 5'-TTCAAGTTCTGTTTCTTCTAGTGGGAGTCTGAATTGTTTCAAAGCTCTCTTACTACGTTG[C>T]GTGACAAAATTCTGCTGGCTTGTATTAGGAGATATCCTTGTGGTGCATGCATATTTCTCT-3'
Protein context (NP_000123.1, residues 1317-1337): SPNTSQQNFV[Thr1327=]QRSKRALKQF